The following is an entry in ClinVar:

ClinVar aggregate classification (germline): Uncertain significance (1 of 4 stars; one submission).

Conditions:
Giant axonal neuropathy 1 (GAN1). Also called: GIANT AXONAL NEUROPATHY 1, AUTOSOMAL RECESSIVE; GAN-Related Neurodegeneration. Identifiers: Orphanet 643, MedGen C1850386, MONDO:0009749, OMIM 256850.

Allele frequency attached by ClinVar (database versions not stated): gnomAD 0.00002; gnomAD exomes 0.00005 and 0.00007; ExAC 0.00014; TOPMed 0.00001.
gnomAD v4.1: 35 of 1,551,484 alleles (0.0023%); highest among the groups gnomAD compares: Non-Finnish European, 0.0007%; no homozygotes.

Submission:

Labcorp Genetics (formerly Invitae), Labcorp
Classification: Uncertain significance for Giant axonal neuropathy 1. Last evaluated: 2020-10-07. Review status: criteria provided, single submitter. Criteria: Invitae Variant Classification Sherloc (09022015). Collection method: clinical testing. Allele origin: germline.
Comment: This sequence change falls in intron 1 of the GAN gene. It does not directly change the encoded amino acid sequence of the GAN protein, but it affects a nucleotide within the consensus splice site of the intron. This variant is present in population databases (rs778330202, ExAC 0.2%). This variant has not been reported in the literature in individuals with GAN-related conditions. Nucleotide substitutions within the consensus splice site are a relatively common cause of aberrant splicing (PMID: 17576681, 9536098). Algorithms developed to predict the effect of sequence changes on RNA splicing suggest that this variant is not likely to affect RNA splicing, but this prediction has not been confirmed by published transcriptional studies. In summary, the available evidence is currently insufficient to determine the role of this variant in disease. Therefore, it has been classified as a Variant of Uncertain Significance.

Literature cited by the submitters: PubMed 17576681; PubMed 9536098.

NM_022041.4(GAN):c.167+4G>C

Genes: GAN (gigaxonin; plus strand), LOC130059498 (ATAC-STARR-seq lymphoblastoid silent region 7753; plus strand). Cytogenetic location: 16q23.2.
Variant type: single nucleotide variant.
Coding change: c.167+4G>C on transcript NM_022041.4 (MANE Select); 4 bases into the intron after coding-DNA position 167, G replaced by C.
Molecular consequence: intron variant.
Genome position (GRCh38, 1-based): chr16:81,315,284, G>C. VCF-style: chr16-81315284-G-C. GRCh37 (hg19) VCF-style: chr16-81348889-G-C.
Other names: c.-358+4G>C (NM_001377486.1).
Identifiers: ClinVar variation 1058951 (VCV001058951.4), dbSNP rs778330202, ClinGen allele CA8191264.